The following is an entry in ClinVar:

NM_000051.4(ATM):c.3078-11C>T

Gene: ATM (ATM serine/threonine kinase; plus strand). Cytogenetic location: 11q22.3.
Variant type: single nucleotide variant.
Coding change: c.3078-11C>T on transcript NM_000051.4 (MANE Select); 11 bases into the intron before coding-DNA position 3078, C replaced by T.
Molecular consequence: intron variant.
Genome position (GRCh38, 1-based): chr11:108,272,521, C>T. VCF-style: chr11-108272521-C-T. GRCh37 (hg19) VCF-style: chr11-108143248-C-T.
Other names: c.3078-11C>T (NM_001351834.2).
Identifiers: ClinVar variation 490514 (VCV000490514.12), dbSNP rs756972430, ClinGen allele CA6265191.

ClinVar aggregate classification (germline): Likely benign. Review status: criteria provided, multiple submitters, no conflicts (2 of 4 stars). 3 submissions from 3 submitters: Likely benign (3). Last evaluated 2025-09-24.

Conditions:
Hereditary cancer-predisposing syndrome. Also called: Tumor predisposition; Neoplastic Syndromes, Hereditary; Hereditary Cancer Syndrome; Hereditary neoplastic syndrome. Identifiers: Orphanet 140162, MedGen C0027672, MeSH D009386, MONDO:0015356.
Familial cancer of breast. Also called: BREAST CANCER, FAMILIAL; hereditary breast carcinoma; Hereditary breast cancer. Identifiers: Orphanet 227535, MedGen C0346153, MONDO:0016419, OMIM 114480. Disease mechanism: loss of function.
Ataxia-telangiectasia syndrome (AT). Also called: Ataxia-telangiectasia; Ataxia-telangiectasia, complementation group D; AT, COMPLEMENTATION GROUP C; LOUIS-BAR SYNDROME; Cerebello-oculocutaneous telangiectasia; Immunodeficiency with ataxia telangiectasia. Identifiers: Orphanet 100, MedGen C0004135, MONDO:0008840, OMIM 208900.

Allele frequency attached by ClinVar (database versions not stated): gnomAD exomes below 0.00001 and 0.00001; TOPMed below 0.00001; ExAC 0.00001.
gnomAD v4.1: 3 of 1,602,442 alleles (0.00019%); highest among the groups gnomAD compares: Admixed American, 0.005%; no homozygotes.

Submissions (3):

Labcorp Genetics (formerly Invitae), Labcorp
Classification: Likely benign for Ataxia-telangiectasia syndrome. Last evaluated: 2025-09-24. Review status: criteria provided, single submitter. Criteria: Invitae Variant Classification Sherloc (09022015). Collection method: clinical testing. Allele origin: germline.

Myriad Genetics, Inc.
Classification: Likely benign for Familial cancer of breast. Last evaluated: 2024-05-13. Review status: criteria provided, single submitter. Criteria: Myriad Autosomal Dominant, Autosomal Recessive and X-Linked Classification Criteria (2023). Collection method: clinical testing. Allele origin: unknown.
Comment: This variant is considered likely benign. This variant is intronic and is not expected to impact mRNA splicing.

Color Diagnostics, LLC DBA Color Health
Classification: Likely benign for Hereditary cancer-predisposing syndrome. Last evaluated: 2015-07-29. Review status: criteria provided, single submitter. Criteria: ACMG Guidelines, 2015. Collection method: clinical testing. Allele origin: germline.